The following is an entry in ClinVar:

NM_001098816.3(TENM4):c.460C>G (p.Leu154Val)

Gene: TENM4 (teneurin transmembrane protein 4; minus strand). Cytogenetic location: 11q14.1.
Variant type: single nucleotide variant.
Coding change: c.460C>G on transcript NM_001098816.3 (MANE Select); coding-DNA position 460, C replaced by G.
Protein change: p.Leu154Val; replaces leucine 154 with valine.
Molecular consequence: missense variant.
Genome position (GRCh38, 1-based): chr11:79,064,771, G>C on the plus strand (C>G on the coding strand, the complement: TENM4 is on the minus strand). VCF-style: chr11-79064771-G-C. GRCh37 (hg19) VCF-style: chr11-78775816-G-C.
Other names: short protein forms L154V.
Identifiers: ClinVar variation 3339370 (VCV003339370.1).

ClinVar aggregate classification (germline): Uncertain significance (1 of 4 stars; one submission).

gnomAD v4.1: 9 of 1,551,564 alleles (0.00058%); highest among the groups gnomAD compares: Admixed American, 0.016%; no homozygotes.

Submission:

Women's Health and Genetics/Laboratory Corporation of America, LabCorp
Classification: Uncertain significance. Last evaluated: 2024-07-23. Review status: criteria provided, single submitter. Criteria: LabCorp Variant Classification Summary - May 2015. Collection method: clinical testing. Allele origin: germline.
Comment: Variant summary: TENM4 c.460C>G (p.Leu154Val) results in a conservative amino acid change located in the Teneurin intracellular, N-terminal domain (IPR009471) of the encoded protein sequence. Three of five in-silico tools predict a damaging effect of the variant on protein function. The variant allele was found at a frequency of 3.9e-05 in 153796 control chromosomes, predominantly at a frequency of 0.00024 within the Latino subpopulation in the gnomAD database. The available data on variant occurrences in the general population are insufficient to allow any conclusion about variant significance. To our knowledge, no occurrence of c.460C>G in individuals affected with Tremor, Hereditary Essential, 5 and no experimental evidence demonstrating its impact on protein function have been reported. No submitters have cited clinical-significance assessments for this variant to ClinVar. Based on the evidence outlined above, the variant was classified as uncertain significance.